The following is an entry in ClinVar:

ClinVar aggregate classification (germline): Likely pathogenic (1 of 4 stars; one submission).

Submission:

GeneDx
Classification: Likely pathogenic. Last evaluated: 2018-01-05. Review status: criteria provided, single submitter. Criteria: GeneDx Variant Classification (06012015). Collection method: clinical testing. Allele origin: germline. Affected: yes.
Comment: The c.7265_7275del11 variant in the ACAN gene has not been reported previously as a pathogenic variant nor as abenign variant, to our knowledge. The c.7265_7275del11 variant causes a frameshift starting with codon Histidine2422, changes this amino acid to an Arginine residue, and creates a premature Stop codon at position 4 of the newreading frame, denoted p.His2422ArgfsX4. This variant is predicted to cause loss of normal protein function eitherthrough protein truncation or nonsense-mediated mRNA decay. The c.7265_7275del11 variant is not observed inlarge population cohorts (Lek et al., 2016). We interpret c.7265_7275del11 as a likely pathogenic variant.

NM_001369268.1(ACAN):c.7379_7389del (p.His2460fs)

Gene: ACAN (aggrecan; plus strand). Cytogenetic location: 15q26.1.
Variant type: Deletion.
Coding change: c.7379_7389del on transcript NM_001369268.1 (MANE Select); coding-DNA positions 7379 to 7389, 11 bases deleted (ACGAGAAGGGC).
Protein change: p.His2460fs; shifts the reading frame from histidine 2460.
Molecular consequence: frameshift variant.
Genome position (GRCh38, 1-based): chr15:88,872,957-88,872,967, ACGAGAAGGGC deleted; deleting any 11 consecutive bases within chr15:88,872,954-88,872,967 gives the same sequence; the c. name uses the placement nearest the transcript's 3' end. VCF-style (leftmost placement, unchanged base first): chr15-88872953-TGGCACGAGAAG-T. GRCh37 (hg19) VCF-style: chr15-89416184-TGGCACGAGAAG-T.
Other names: c.7265_7275delACGAGAAGGGC (NM_013227.3); c.7151_7161del, p.His2384fs (NM_001135.4); c.7265_7275del, p.His2422fs (NM_013227.4); short protein forms H2460fs, H2422fs, H2384fs.
Identifiers: ClinVar variation 503992 (VCV000503992.2), dbSNP rs1555457638, ClinGen allele CA658798414.
Genomic context (GRCh38, chr15:88,872,953, plus strand): 5'-TGGCGCCCCAACCAGCCTGACAACTTTTTTGCCGCTGGAGAGGACTGTGTGGTGATGATC[TGGCACGAGAAG>T]GGCGAGTGGAATGATGTTCCCTGCAATTACCACCTCCCCTTCACGTGTAAAAAGGGCACA-3'